The following is an entry in ClinVar:

NM_015702.3(MMADHC):c.113G>T (p.Gly38Val)

Gene: MMADHC (metabolism of cobalamin associated D; minus strand). Cytogenetic location: 2q23.2.
Variant type: single nucleotide variant.
Coding change: c.113G>T on transcript NM_015702.3 (MANE Select); coding-DNA position 113, G replaced by T.
Protein change: p.Gly38Val; replaces glycine 38 with valine.
Molecular consequence: missense variant.
Genome position (GRCh38, 1-based): chr2:149,582,168, C>A on the plus strand (G>T on the coding strand, the complement: MMADHC is on the minus strand). VCF-style: chr2-149582168-C-A. GRCh37 (hg19) VCF-style: chr2-150438682-C-A.
Other names: c.113G>T (NM_015702.2); short protein forms G38V.
Identifiers: ClinVar variation 2144585 (VCV002144585.2), dbSNP rs1386535158, ClinGen allele CA348871047.

ClinVar aggregate classification (germline): Uncertain significance. Review status: criteria provided, multiple submitters, no conflicts (2 of 4 stars). 2 submissions from 2 submitters: Uncertain significance (2). Last evaluated 2025-10-17.

Conditions:
Inborn genetic diseases. Identifiers: MedGen C0950123, MeSH D030342.
Methylmalonic aciduria and homocystinuria type cblD (MAHCD). Also called: Methylmalonic aciduria with homocystinuria cblD type; METHYLMALONIC ACIDEMIA, cblH TYPE. Identifiers: Orphanet 622, Orphanet 79283, MedGen C1848552, MONDO:0010185, OMIM 277410.

Allele frequency attached by ClinVar (database versions not stated): gnomAD 0.00001; TOPMed 0.00003; gnomAD exomes 0.00007.

Submissions (2):

Ambry Genetics
Classification: Uncertain significance for Inborn genetic diseases. Last evaluated: 2025-10-17. Review status: criteria provided, single submitter. Criteria: Ambry Variant Classification Scheme 2023. Collection method: clinical testing. Allele origin: germline.

Labcorp Genetics (formerly Invitae), Labcorp
Classification: Uncertain significance for Methylmalonic aciduria and homocystinuria type cblD. Last evaluated: 2022-05-10. Review status: criteria provided, single submitter. Criteria: Invitae Variant Classification Sherloc (09022015). Collection method: clinical testing. Allele origin: germline.
Comment: This sequence change replaces glycine, which is neutral and non-polar, with valine, which is neutral and non-polar, at codon 38 of the MMADHC protein (p.Gly38Val). This variant is present in population databases (no rsID available, gnomAD 0.0009%). This variant has not been reported in the literature in individuals affected with MMADHC-related conditions. Algorithms developed to predict the effect of missense changes on protein structure and function are either unavailable or do not agree on the potential impact of this missense change (SIFT: "Tolerated"; PolyPhen-2: "Probably Damaging"; Align-GVGD: "Class C0"). In summary, the available evidence is currently insufficient to determine the role of this variant in disease. Therefore, it has been classified as a Variant of Uncertain Significance.